The following is an entry in ClinVar:

NM_000238.4(KCNH2):c.2104C>T (p.Gln702Ter)

Gene: KCNH2 (potassium voltage-gated channel subfamily H member 2; minus strand). Cytogenetic location: 7q36.1.
Variant type: single nucleotide variant.
Coding change: c.2104C>T on transcript NM_000238.4 (MANE Select); coding-DNA position 2104, C replaced by T.
Protein change: p.Gln702Ter; replaces glutamine 702 with a stop codon.
Molecular consequence: nonsense.
Genome position (GRCh38, 1-based): chr7:150,950,962, G>A on the plus strand (C>T on the coding strand, the complement: KCNH2 is on the minus strand). VCF-style: chr7-150950962-G-A. GRCh37 (hg19) VCF-style: chr7-150648050-G-A.
Other names: p.Q702*:CAG>TAG; c.1084C>T, p.Gln362Ter (NM_001204798.2, NM_172057.3); c.1816C>T, p.Gln606Ter (NM_001406753.1, NM_001406756.1); c.1927C>T, p.Gln643Ter (NM_001406755.1); c.1804C>T, p.Gln602Ter (NM_001406757.1); c.2104C>T, p.Gln702Ter (NM_172056.3); short protein forms Q362*, Q702*, Q606*, Q643*, Q602*.
Identifiers: ClinVar variation 200407 (VCV000200407.9), dbSNP rs794728382, ClinGen allele CA006236.

ClinVar aggregate classification (germline): Pathogenic. Review status: criteria provided, multiple submitters, no conflicts (2 of 4 stars). 5 submissions from 5 submitters: Pathogenic (5). Last evaluated 2025-12-14.

Conditions:
Cardiac arrhythmia. Also called: Cardiac rhythm disease; Arrhythmia. Identifiers: MedGen C0003811, MONDO:0007263, HP:0011675.
Long QT syndrome 2 (LQT2). Identifiers: Orphanet 101016, Orphanet 768, MedGen C3150943, MONDO:0013367, OMIM 613688.
Short QT syndrome type 1. Identifiers: Orphanet 51083, MedGen C1865020, MONDO:0012312, OMIM 609620.
Long QT syndrome (LQTS). Identifiers: MedGen C0023976, MeSH D008133, MONDO:0002442. Disease mechanism: loss of function. Inheritance: Various modes of inheritance.

Submissions (5):

Labcorp Genetics (formerly Invitae), Labcorp
Classification: Pathogenic for Long QT syndrome. Last evaluated: 2025-12-14. Review status: criteria provided, single submitter. Criteria: Invitae Variant Classification Sherloc (09022015). Collection method: clinical testing. Allele origin: germline.
Comment: This sequence change creates a premature translational stop signal (p.Gln702*) in the KCNH2 gene. It is expected to result in an absent or disrupted protein product. Loss-of-function variants in KCNH2 are known to be pathogenic (PMID: 10973849, 19862833). This variant is not present in population databases (gnomAD no frequency). This variant has not been reported in the literature in individuals affected with KCNH2-related conditions. ClinVar contains an entry for this variant (Variation ID: 200407). For these reasons, this variant has been classified as Pathogenic.

All of Us Research Program, National Institutes of Health
Classification: Pathogenic for Long QT syndrome. Last evaluated: 2024-04-25. Review status: criteria provided, single submitter. Criteria: ACMG Guidelines, 2015. Collection method: clinical testing. Allele origin: germline. Inheritance: Autosomal dominant inheritance. Observed: 1 variant allele, 1 heterozygote.
Comment: This variant changes 1 nucleotide in exon 8 of the KCNH2 gene, creating a premature translation stop signal. This variant is expected to result in an absent or non-functional protein product. To our knowledge, this variant has not been reported in individuals affected with KCNH2-related disorders in the literature. This variant has not been identified in the general population by the Genome Aggregation Database (gnomAD). Loss of KCNH2 function is a known mechanism of disease. Based on the available evidence, this variant is classified as Pathogenic.

This study involves interpretation of variants in research participants for the purpose of population health screening. Participant phenotype was not available at the time of variant classification. Additional details can be found in publication PMID: 35346344, PMCID: PMC8962531

Color Diagnostics, LLC DBA Color Health
Classification: Pathogenic for Cardiac arrhythmia. Last evaluated: 2024-02-20. Review status: criteria provided, single submitter. Criteria: ACMG Guidelines, 2015. Collection method: clinical testing. Allele origin: germline.
Comment: This variant changes 1 nucleotide in exon 8 of the KCNH2 gene, creating a premature translation stop signal. This variant is expected to result in an absent or non-functional protein product. To our knowledge, this variant has not been reported in individuals affected with KCNH2-related disorders in the literature. This variant has not been identified in the general population by the Genome Aggregation Database (gnomAD). Loss of KCNH2 function is a known mechanism of disease. Based on the available evidence, this variant is classified as Pathogenic.

Fulgent Genetics
Classification: Pathogenic for Short QT syndrome type 1; Long QT syndrome 2. Last evaluated: 2018-10-31. Review status: criteria provided, single submitter. Criteria: ACMG Guidelines, 2015. Collection method: clinical testing. Allele origin: unknown.

GeneDx
Classification: Pathogenic. Last evaluated: 2012-08-19. Review status: criteria provided, single submitter. Criteria: GeneDx Variant Classification (06012015). Collection method: clinical testing. Allele origin: germline. Affected: yes.
Comment: p.Gln702Stop (CAG>TAG):c.2104 C>T in exon 8 of the KCNH2 gene (NM_000238.2)The Gln702Stop mutation in the KCNH2 gene has not been reported previously as a disease-causing mutation or as benign polymorphism, to our knowledge. Gln702Stop is predicted to cause loss of normal protein function either through protein truncation or nonsense-mediated mRNA decay. Other nonsense mutations in the KCNH2 gene (Trp705Stop, Gln725Stop) have been reported in association with LQTS. In summary, Gln702Stop in the KCNH2 gene is interpreted to be a disease-causing mutation. The variant is found in LQT panel(s).

Literature cited by the submitters: PubMed 10973849 (cited by Labcorp Genetics (formerly Invitae), Labcorp); PubMed 19862833 (cited by Labcorp Genetics (formerly Invitae), Labcorp).